The following is an entry in ClinVar:

ClinVar aggregate classification (germline): Benign. Review status: criteria provided, single submitter (1 of 4 stars). 2 submissions from 2 submitters: Benign (1). 1 of the submissions does not count toward it. Last evaluated 2022-03-23.

Conditions:
GIGYF2-related disorder. Also called: GIGYF2-related condition.

Submissions (2):

Mayo Clinic Laboratories, Mayo Clinic
Classification: Benign. Last evaluated: 2022-03-23. Review status: criteria provided, single submitter. Criteria: ACMG Guidelines, 2015. Collection method: clinical testing. Allele origin: germline. Observed: 58 variant alleles.

PreventionGenetics, part of Exact Sciences
Classification: Benign for GIGYF2-related condition. Last evaluated: 2019-04-15. Review status: no assertion criteria provided. Collection method: clinical testing. Allele origin: germline. Not counted in ClinVar's aggregate classification.
Comment: This variant is classified as benign based on ACMG/AMP sequence variant interpretation guidelines (Richards et al. 2015 PMID: 25741868, with internal and published modifications).

NM_001103146.3(GIGYF2):c.3626_3646del (p.Leu1209_Gln1215del)

Gene: GIGYF2 (GRB10 interacting GYF protein 2; plus strand). Cytogenetic location: 2q37.1.
Variant type: Deletion.
Coding change: c.3626_3646del on transcript NM_001103146.3 (MANE Select); coding-DNA positions 3626 to 3646, 21 bases deleted (TGCCACAGCAGCAGCAGCAGC).
Protein change: p.Leu1209_Gln1215del.
Molecular consequence: non-coding transcript variant (on NR_103492.1).
Genome position (GRCh38, 1-based): chr2:232,847,513-232,847,533, TGCCACAGCAGCAGCAGCAGC deleted; deleting any 21 consecutive bases within chr2:232,847,500-232,847,533 gives the same sequence; the c. name uses the placement nearest the transcript's 3' end. VCF-style (leftmost placement, unchanged base first): chr2-232847499-TCAGCAGCAGCAGCTGCCACAG-T. GRCh37 (hg19) VCF-style: chr2-233712209-TCAGCAGCAGCAGCTGCCACAG-T.
Other names: p.Leu1209_Gln1215del; c.3626_3646del (NM_001103146.2); c.3689_3709del, p.Leu1230_Gln1236del (NM_001103147.2); c.3608_3628del, p.Leu1203_Gln1209del (NM_001103148.2); c.3626_3646del, p.Leu1209_Gln1215del (NM_015575.4).
Identifiers: ClinVar variation 3059905 (VCV003059905.3), dbSNP rs527464858, ClinGen allele CA2170906.
Genomic context (GRCh38, chr2:232,847,499, plus strand): 5'-CAAGGAGTTTGCCAAGCAGTTCCTTGAGCGCCGTGCCAAACAGAAAGCCAACCAGCAGCG[TCAGCAGCAGCAGCTGCCACAG>T]CAGCAGCAGCAGCAGCCGCCACAGCAGCCGCCACAGCAGCCACAACAGCAGGTATAAAGT-3'